The following is an entry in ClinVar:

ClinVar aggregate classification (germline): Uncertain significance (1 of 4 stars; one submission).

Conditions:
Autosomal dominant nonsyndromic hearing loss 65. Also called: Deafness, autosomal dominant 65; TBC1D24-Related Autosomal Dominant Nonsyndromic Hearing Loss (DFNA). Identifiers: Orphanet 90635, MedGen C3892048, MONDO:0014470, OMIM 616044.
Developmental and epileptic encephalopathy, 1 (DEE1). Also called: INFANTILE SPASM SYNDROME, X-LINKED 1; X-linked infantile spasms; West's syndrome; Tonic spasms with clustering, arrest of psychomotor development and hypsarrhythmia on EEG; X-Linked Infantile Spasm Syndrome; OHTAHARA SYNDROME, X-LINKED. Identifiers: MedGen C3463992, MONDO:0010632, OMIM 308350. Disease mechanism: loss of function.

gnomAD v4.1: 3 of 1,613,986 alleles (0.00019%); highest among the groups gnomAD compares: Non-Finnish European, 0.00025%; no homozygotes.

Submission:

Labcorp Genetics (formerly Invitae), Labcorp
Classification: Uncertain significance for Developmental and epileptic encephalopathy, 1; Autosomal dominant nonsyndromic hearing loss 65. Last evaluated: 2023-07-30. Review status: criteria provided, single submitter. Criteria: Invitae Variant Classification Sherloc (09022015). Collection method: clinical testing. Allele origin: germline.
Comment: In summary, the available evidence is currently insufficient to determine the role of this variant in disease. Therefore, it has been classified as a Variant of Uncertain Significance. Advanced modeling of protein sequence and biophysical properties (such as structural, functional, and spatial information, amino acid conservation, physicochemical variation, residue mobility, and thermodynamic stability) performed at Invitae indicates that this missense variant is not expected to disrupt TBC1D24 protein function. This variant has not been reported in the literature in individuals affected with TBC1D24-related conditions. This variant is present in population databases (no rsID available, gnomAD no frequency). This sequence change replaces threonine, which is neutral and polar, with alanine, which is neutral and non-polar, at codon 410 of the TBC1D24 protein (p.Thr410Ala).

NM_001199107.2(TBC1D24):c.1228A>G (p.Thr410Ala)

Gene: TBC1D24 (TBC1 domain family member 24; plus strand). Cytogenetic location: 16p13.3.
Variant type: single nucleotide variant.
Coding change: c.1228A>G on transcript NM_001199107.2 (MANE Select); coding-DNA position 1228, A replaced by G.
Protein change: p.Thr410Ala; replaces threonine 410 with alanine.
Molecular consequence: missense variant.
Genome position (GRCh38, 1-based): chr16:2,499,856, A>G. VCF-style: chr16-2499856-A-G. GRCh37 (hg19) VCF-style: chr16-2549857-A-G.
Other names: c.1210A>G, p.Thr404Ala (NM_020705.3); short protein forms T404A, T410A.
Identifiers: ClinVar variation 2927518 (VCV002927518.3), dbSNP rs1414214658, ClinGen allele CA394380134.